The following is an entry in ClinVar:

ClinVar aggregate classification (germline): Conflicting classifications of pathogenicity. Review status: criteria provided, conflicting classifications (1 of 4 stars). 2 submissions from 2 submitters: Uncertain significance (1); Likely benign (1). Last evaluated 2025-12-13.

Conditions:
Inborn genetic diseases. Identifiers: MedGen C0950123, MeSH D030342.
Amyotrophic lateral sclerosis type 8 (ALS8). Identifiers: Orphanet 803, MedGen C1837728, MONDO:0012077, OMIM 608627.
Adult-onset proximal spinal muscular atrophy, autosomal dominant. Also called: FINKEL LATE-ADULT TYPE SMA; Spinal muscular atrophy, late-onset, finkel type. Identifiers: Orphanet 209335, MedGen C1854058, MONDO:0008453, OMIM 182980.

Allele frequency attached by ClinVar (database versions not stated): TOPMed 0.00003; gnomAD 0.00004; ExAC 0.00005; gnomAD exomes 0.00005 and 0.00006.
gnomAD v4.1: 89 of 1,580,402 alleles (0.0056%); highest among the groups gnomAD compares: Non-Finnish European, 0.0074%; no homozygotes.

Submissions (2):

Labcorp Genetics (formerly Invitae), Labcorp
Classification: Uncertain significance for Adult-onset proximal spinal muscular atrophy, autosomal dominant; Amyotrophic lateral sclerosis type 8. Last evaluated: 2025-12-13. Review status: criteria provided, single submitter. Criteria: Invitae Variant Classification Sherloc (09022015). Collection method: clinical testing. Allele origin: germline.
Comment: This sequence change falls in intron 1 of the VAPB gene. It does not directly change the encoded amino acid sequence of the VAPB protein. It affects a nucleotide within the consensus splice site. This variant is present in population databases (rs753611165, gnomAD 0.009%). This variant has not been reported in the literature in individuals affected with VAPB-related conditions. ClinVar contains an entry for this variant (Variation ID: 574276). Variants that disrupt the consensus splice site are a relatively common cause of aberrant splicing (PMID: 17576681, 9536098). Algorithms developed to predict the effect of sequence changes on RNA splicing suggest that this variant is not likely to affect RNA splicing. In summary, the available evidence is currently insufficient to determine the role of this variant in disease. Therefore, it has been classified as a Variant of Uncertain Significance.

Ambry Genetics
Classification: Likely benign for Inborn genetic diseases. Last evaluated: 2021-03-31. Review status: criteria provided, single submitter. Criteria: Ambry Variant Classification Scheme 2023. Collection method: clinical testing. Allele origin: germline.

Literature cited by the submitters: PubMed 17576681 (cited by Labcorp Genetics (formerly Invitae), Labcorp); PubMed 9536098 (cited by Labcorp Genetics (formerly Invitae), Labcorp).

NM_004738.5(VAPB):c.58+5G>A

Gene: VAPB (VAMP associated protein B and C; plus strand). Cytogenetic location: 20q13.32.
Variant type: single nucleotide variant.
Coding change: c.58+5G>A on transcript NM_004738.5 (MANE Select); 5 bases into the intron after coding-DNA position 58, G replaced by A.
Molecular consequence: intron variant.
Genome position (GRCh38, 1-based): chr20:58,389,522, G>A. VCF-style: chr20-58389522-G-A. GRCh37 (hg19) VCF-style: chr20-56964578-G-A.
Other names: c.58+5G>A (NM_001195677.2).
Identifiers: ClinVar variation 574276 (VCV000574276.13), dbSNP rs753611165, ClinGen allele CA9924145.
Genomic context (GRCh38, chr20:58,389,522, plus strand): 5'-GGCGAAGGTGGAGCAGGTCCTGAGCCTCGAGCCGCAGCACGAGCTCAAATTCCGAGGTAA[G>A]CCCCAGAGGCCGCCACCTTCCTGCCCGCGGCCTCCGCCCCAGTGCTGGAAGGACGGAGCC-3'